The following is an entry in ClinVar:

NM_012144.4(DNAI1):c.1168G>A (p.Asp390Asn)

Gene: DNAI1 (dynein axonemal intermediate chain 1; plus strand). Cytogenetic location: 9p13.3.
Variant type: single nucleotide variant.
Coding change: c.1168G>A on transcript NM_012144.4 (MANE Select); coding-DNA position 1168, G replaced by A.
Protein change: p.Asp390Asn; replaces aspartic acid 390 with asparagine.
Molecular consequence: missense variant.
Genome position (GRCh38, 1-based): chr9:34,506,731, G>A. VCF-style: chr9-34506731-G-A. GRCh37 (hg19) VCF-style: chr9-34506729-G-A.
Other names: c.1180G>A, p.Asp394Asn (NM_001281428.2); short protein forms D394N, D390N.
Identifiers: ClinVar variation 5003367 (VCV005003367.1).

ClinVar aggregate classification (germline): Uncertain significance (1 of 4 stars; one submission).

Conditions:
Kartagener syndrome (CILD1). Also called: POLYNESIAN BRONCHIECTASIS; CILIARY DYSKINESIA, PRIMARY, 1; CILIARY DYSKINESIA, PRIMARY, 1, WITH OR WITHOUT SITUS INVERSUS; IMMOTILE CILIA SYNDROME; Dextrocardia bronchiectasis and sinusitis; SIEWERT SYNDROME. Identifiers: Orphanet 244, MedGen C4551906, MONDO:0009484, OMIM 244400.

gnomAD v4.1: 10 of 1,614,166 alleles (0.00062%); highest among the groups gnomAD compares: African/African-American, 0.0013%; no homozygotes.

Submission:

Myriad Genetics, Inc.
Classification: Uncertain significance for Kartagener syndrome. Last evaluated: 2025-11-11. Review status: criteria provided, single submitter. Criteria: Myriad Autosomal Dominant, Autosomal Recessive and X-Linked Classification Criteria (2023). Collection method: clinical testing. Allele origin: unknown.
Comment: NM_012144.2(DNAI1):c.1168G>A(D390N) is a missense variant classified as a variant of uncertain significance in the context of primary ciliary dyskinesia, DNAI1-related. D390N has been observed in a case with relevant disease (PMID: 37998386). Relevant functional assessments of this variant are not available in the literature. D390N has been observed in referenced population frequency databases. In summary, there is insufficient evidence to classify NM_012144.2(DNAI1):c.1168G>A(D390N) as pathogenic or benign. Please note: this variant was assessed in the context of healthy population screening.

Literature cited by the submitters: PubMed 37998386.